The following is an entry in ClinVar:

ClinVar aggregate classification (germline): Uncertain significance. Review status: criteria provided, multiple submitters, no conflicts (2 of 4 stars). 2 submissions from 2 submitters: Uncertain significance (2). Last evaluated 2025-09-22.

Conditions:
Hereditary cancer-predisposing syndrome. Also called: Neoplastic Syndromes, Hereditary; Hereditary Cancer Syndrome; Hereditary neoplastic syndrome; Tumor predisposition. Identifiers: Orphanet 140162, MedGen C0027672, MeSH D009386, MONDO:0015356.
Gorlin syndrome. Also called: Nevoid Basal Cell Carcinoma Syndrome; Basal cell nevus syndrome. Identifiers: Orphanet 377, MedGen C0004779, MONDO:0007187.

Submissions (2):

Labcorp Genetics (formerly Invitae), Labcorp
Classification: Uncertain significance for Gorlin syndrome. Last evaluated: 2025-09-22. Review status: criteria provided, single submitter. Criteria: Invitae Variant Classification Sherloc (09022015). Collection method: clinical testing. Allele origin: germline.
Comment: This sequence change replaces phenylalanine, which is neutral and non-polar, with cysteine, which is neutral and slightly polar, at codon 1046 of the PTCH1 protein (p.Phe1046Cys). This variant is not present in population databases (gnomAD no frequency). This variant has not been reported in the literature in individuals affected with PTCH1-related conditions. ClinVar contains an entry for this variant (Variation ID: 854536). Invitae Evidence Modeling of protein sequence and biophysical properties (such as structural, functional, and spatial information, amino acid conservation, physicochemical variation, residue mobility, and thermodynamic stability) has been performed for this missense variant. However, the output from this modeling did not meet the statistical confidence thresholds required to predict the impact of this variant on PTCH1 protein function. In summary, the available evidence is currently insufficient to determine the role of this variant in disease. Therefore, it has been classified as a Variant of Uncertain Significance.

Ambry Genetics
Classification: Uncertain significance for Hereditary cancer-predisposing syndrome. Last evaluated: 2024-02-09. Review status: criteria provided, single submitter. Criteria: Ambry Variant Classification Scheme 2023. Collection method: clinical testing. Allele origin: germline.
Comment: The p.F1046C variant (also known as c.3137T>G), located in coding exon 18 of the PTCH1 gene, results from a T to G substitution at nucleotide position 3137. The phenylalanine at codon 1046 is replaced by cysteine, an amino acid with highly dissimilar properties. This amino acid position is highly conserved in available vertebrate species. In addition, this alteration is predicted to be deleterious by in silico analysis. Based on the available evidence, the clinical significance of this alteration remains unclear.

NM_000264.5(PTCH1):c.3137T>G (p.Phe1046Cys)

Gene: PTCH1 (patched 1; minus strand). Cytogenetic location: 9q22.32.
Variant type: single nucleotide variant.
Coding change: c.3137T>G on transcript NM_000264.5 (MANE Select); coding-DNA position 3137, T replaced by G.
Protein change: p.Phe1046Cys; replaces phenylalanine 1046 with cysteine.
Molecular consequence: missense variant. On other transcripts: non-coding transcript variant (1).
Genome position (GRCh38, 1-based): chr9:95,458,044, A>C on the plus strand (T>G on the coding strand, the complement: PTCH1 is on the minus strand). VCF-style: chr9-95458044-A-C. GRCh37 (hg19) VCF-style: chr9-98220326-A-C.
Other names: c.2939T>G, p.Phe980Cys (NM_001083602.3); c.3134T>G, p.Phe1045Cys (NM_001083603.3); c.2684T>G, p.Phe895Cys (NM_001083604.3, NM_001083605.3, NM_001083606.3 and 1 more transcripts); c.2981T>G, p.Phe994Cys (NM_001354918.2); short protein forms F994C, F1045C, F895C, F1046C, F980C.
Identifiers: ClinVar variation 854536 (VCV000854536.11), dbSNP rs1839099591, ClinGen allele CA374112310.